The following is an entry in ClinVar:

ClinVar aggregate classification (germline): Uncertain significance (1 of 4 stars; one submission).

Conditions:
Familial episodic pain syndrome with predominantly lower limb involvement. Also called: Episodic pain syndrome, familial, 3. Identifiers: Orphanet 391384, Orphanet 391392, MedGen C3809899, MONDO:0014247, OMIM 615552.
Hereditary sensory and autonomic neuropathy type 7. Also called: HSAN VII; Neuropathy, hereditary sensory and autonomic, type VII. Identifiers: Orphanet 391397, MedGen C3809882, MONDO:0014244, OMIM 615548.

gnomAD v4.1: 1 of 1,614,070 alleles (0.000062%); highest among the groups gnomAD compares: Non-Finnish European, 0.000085%; no homozygotes.

Submission:

Labcorp Genetics (formerly Invitae), Labcorp
Classification: Uncertain significance for Familial episodic pain syndrome with predominantly lower limb involvement; Hereditary sensory and autonomic neuropathy type 7. Last evaluated: 2025-02-04. Review status: criteria provided, single submitter. Criteria: Invitae Variant Classification Sherloc (09022015). Collection method: clinical testing. Allele origin: germline.
Comment: This sequence change replaces valine, which is neutral and non-polar, with phenylalanine, which is neutral and non-polar, at codon 648 of the SCN11A protein (p.Val648Phe). This variant is present in population databases (rs377765909, gnomAD 0.0009%). This variant has not been reported in the literature in individuals affected with SCN11A-related conditions. Invitae Evidence Modeling of protein sequence and biophysical properties (such as structural, functional, and spatial information, amino acid conservation, physicochemical variation, residue mobility, and thermodynamic stability) indicates that this missense variant is expected to disrupt SCN11A protein function with a positive predictive value of 80%. In summary, the available evidence is currently insufficient to determine the role of this variant in disease. Therefore, it has been classified as a Variant of Uncertain Significance.

NM_001349253.2(SCN11A):c.1942G>T (p.Val648Phe)

Gene: SCN11A (sodium voltage-gated channel alpha subunit 11; minus strand). Cytogenetic location: 3p22.2.
Variant type: single nucleotide variant.
Coding change: c.1942G>T on transcript NM_001349253.2 (MANE Select); coding-DNA position 1942, G replaced by T.
Protein change: p.Val648Phe; replaces valine 648 with phenylalanine.
Molecular consequence: missense variant.
Genome position (GRCh38, 1-based): chr3:38,899,974, C>A on the plus strand (G>T on the coding strand, the complement: SCN11A is on the minus strand). VCF-style: chr3-38899974-C-A. GRCh37 (hg19) VCF-style: chr3-38941465-C-A.
Other names: c.1942G>T, p.Val648Phe (NM_014139.3); short protein forms V648F.
Identifiers: ClinVar variation 4783201 (VCV004783201.1).